The following is an entry in ClinVar:

ClinVar aggregate classification (germline): Uncertain significance (1 of 4 stars; one submission).

Allele frequency attached by ClinVar (database versions not stated): ExAC 0.00001; gnomAD 0.00001; gnomAD exomes 0.00001; TOPMed 0.00002; ESP Exome Variant Server 0.00008.
gnomAD v4.1: 11 of 1,612,146 alleles (0.00068%); highest among the groups gnomAD compares: Non-Finnish European, 0.00093%; no homozygotes.

Submission:

Labcorp Genetics (formerly Invitae), Labcorp
Classification: Uncertain significance. Last evaluated: 2021-06-13. Review status: criteria provided, single submitter. Criteria: Invitae Variant Classification Sherloc (09022015). Collection method: clinical testing. Allele origin: germline.
Comment: In summary, the available evidence is currently insufficient to determine the role of this variant in disease. Therefore, it has been classified as a Variant of Uncertain Significance. Nucleotide substitutions within the consensus splice site are a relatively common cause of aberrant splicing (PMID: 17576681, 9536098). Algorithms developed to predict the effect of sequence changes on RNA splicing suggest that this variant is not likely to affect RNA splicing, but this prediction has not been confirmed by published transcriptional studies. This variant has not been reported in the literature in individuals with ATP6V1E1-related conditions. This variant is present in population databases (rs374129845, ExAC 0.002%). This sequence change falls in intron 8 of the ATP6V1E1 gene. It does not directly change the encoded amino acid sequence of the ATP6V1E1 protein. It affects a nucleotide within the consensus splice site of the intron.

Literature cited by the submitters: PubMed 17576681; PubMed 9536098.

NM_001696.4(ATP6V1E1):c.619-3C>T

Gene: ATP6V1E1 (ATPase H+ transporting V1 subunit E1; minus strand). Cytogenetic location: 22q11.21.
Variant type: single nucleotide variant.
Coding change: c.619-3C>T on transcript NM_001696.4 (MANE Select); 3 bases into the intron before coding-DNA position 619, C replaced by T.
Molecular consequence: intron variant.
Genome position (GRCh38, 1-based): chr22:17,592,739, G>A on the plus strand (C>T on the coding strand, the complement: ATP6V1E1 is on the minus strand). VCF-style: chr22-17592739-G-A. GRCh37 (hg19) VCF-style: chr22-18075505-G-A.
Other names: c.553-3C>T (NM_001039366.1); c.529-3C>T (NM_001039367.1).
Identifiers: ClinVar variation 1473600 (VCV001473600.5), dbSNP rs374129845, ClinGen allele CA10090014.